The following is an entry in ClinVar:

NM_015559.3(SETBP1):c.989C>A (p.Thr330Lys)

Gene: SETBP1 (SET binding protein 1; plus strand). Cytogenetic location: 18q12.3.
Variant type: single nucleotide variant.
Coding change: c.989C>A on transcript NM_015559.3 (MANE Select); coding-DNA position 989, C replaced by A.
Protein change: p.Thr330Lys; replaces threonine 330 with lysine.
Molecular consequence: missense variant.
Genome position (GRCh38, 1-based): chr18:44,950,329, C>A. VCF-style: chr18-44950329-C-A. GRCh37 (hg19) VCF-style: chr18-42530294-C-A.
Other names: c.989C>A, p.Thr330Lys (NM_001379141.1, NM_001379142.1, NM_001410862.1); short protein forms T330K.
Identifiers: ClinVar variation 4703565 (VCV004703565.2).

ClinVar aggregate classification (germline): Uncertain significance. Review status: criteria provided, multiple submitters, no conflicts (2 of 4 stars). 2 submissions from 2 submitters: Uncertain significance (2). Last evaluated 2025-10-29.

Submissions (2):

Labcorp Genetics (formerly Invitae), Labcorp
Classification: Uncertain significance. Last evaluated: 2025-10-29. Review status: criteria provided, single submitter. Criteria: Invitae Variant Classification Sherloc (09022015). Collection method: clinical testing. Allele origin: germline.
Comment: This sequence change replaces threonine, which is neutral and polar, with lysine, which is basic and polar, at codon 330 of the SETBP1 protein (p.Thr330Lys). This variant is not present in population databases (gnomAD no frequency). This variant has not been reported in the literature in individuals affected with SETBP1-related conditions. Invitae Evidence Modeling of protein sequence and biophysical properties (such as structural, functional, and spatial information, amino acid conservation, physicochemical variation, residue mobility, and thermodynamic stability) indicates that this missense variant is not expected to disrupt SETBP1 protein function with a negative predictive value of 80%. In summary, the available evidence is currently insufficient to determine the role of this variant in disease. Therefore, it has been classified as a Variant of Uncertain Significance.

Blueprint Genetics
Classification: Uncertain significance. Last evaluated: 2022-01-20. Review status: criteria provided, single submitter. Criteria: ACMG Guidelines, 2015. Collection method: clinical testing. Allele origin: germline.